The following is an entry in ClinVar:

ClinVar aggregate classification (germline): Uncertain significance (1 of 4 stars; one submission).

Allele frequency attached by ClinVar (database versions not stated): ExAC 0.00001; gnomAD exomes 0.00001; gnomAD 0.00002; TOPMed 0.00002.
gnomAD v4.1: 13 of 1,580,744 alleles (0.00082%); highest among the groups gnomAD compares: Non-Finnish European, 0.0011%; no homozygotes.

Submission:

Labcorp Genetics (formerly Invitae), Labcorp
Classification: Uncertain significance. Last evaluated: 2023-11-19. Review status: criteria provided, single submitter. Criteria: Invitae Variant Classification Sherloc (09022015). Collection method: clinical testing. Allele origin: germline.
Comment: This sequence change falls in intron 3 of the STN1 gene. It does not directly change the encoded amino acid sequence of the STN1 protein. It affects a nucleotide within the consensus splice site. This variant is present in population databases (rs776011560, gnomAD 0.002%). This variant has not been reported in the literature in individuals affected with STN1-related conditions. ClinVar contains an entry for this variant (Variation ID: 1385607). Variants that disrupt the consensus splice site are a relatively common cause of aberrant splicing (PMID: 17576681, 9536098). Algorithms developed to predict the effect of sequence changes on RNA splicing suggest that this variant is not likely to affect RNA splicing. In summary, the available evidence is currently insufficient to determine the role of this variant in disease. Therefore, it has been classified as a Variant of Uncertain Significance.

Literature cited by the submitters: PubMed 17576681; PubMed 9536098.

NM_024928.5(STN1):c.229+5G>A

Gene: STN1 (STN1 subunit of CST complex; minus strand). Cytogenetic location: 10q24.33.
Variant type: single nucleotide variant.
Coding change: c.229+5G>A on transcript NM_024928.5 (MANE Select); 5 bases into the intron after coding-DNA position 229, G replaced by A.
Molecular consequence: intron variant.
Genome position (GRCh38, 1-based): chr10:103,910,522, C>T on the plus strand (G>A on the coding strand, the complement: STN1 is on the minus strand). VCF-style: chr10-103910522-C-T. GRCh37 (hg19) VCF-style: chr10-105670280-C-T.
Identifiers: ClinVar variation 1385607 (VCV001385607.4), dbSNP rs776011560, ClinGen allele CA5676703.